The following is an entry in ClinVar:

ClinVar aggregate classification (germline): Uncertain significance (1 of 4 stars; one submission).

gnomAD v4.1: 24 of 1,613,190 alleles (0.0015%); highest among the groups gnomAD compares: African/African-American, 0.027%; no homozygotes.

Submission:

Labcorp Genetics (formerly Invitae), Labcorp
Classification: Uncertain significance. Last evaluated: 2025-02-04. Review status: criteria provided, single submitter. Criteria: Invitae Variant Classification Sherloc (09022015). Collection method: clinical testing. Allele origin: germline.
Comment: This sequence change replaces glutamic acid, which is acidic and polar, with alanine, which is neutral and non-polar, at codon 489 of the P4HB protein (p.Glu489Ala). This variant is present in population databases (rs148124283, gnomAD 0.05%), and has an allele count higher than expected for a pathogenic variant. This variant has not been reported in the literature in individuals affected with P4HB-related conditions. An algorithm developed to predict the effect of missense changes on protein structure and function (PolyPhen-2) suggests that this variant is likely to be disruptive. In summary, the available evidence is currently insufficient to determine the role of this variant in disease. Therefore, it has been classified as a Variant of Uncertain Significance.

NM_000918.4(P4HB):c.1466A>C (p.Glu489Ala)

Gene: P4HB (prolyl 4-hydroxylase subunit beta; minus strand). Cytogenetic location: 17q25.3.
Variant type: single nucleotide variant.
Coding change: c.1466A>C on transcript NM_000918.4 (MANE Select); coding-DNA position 1466, A replaced by C.
Protein change: p.Glu489Ala; replaces glutamic acid 489 with alanine.
Molecular consequence: missense variant.
Genome position (GRCh38, 1-based): chr17:81,844,073, T>G on the plus strand (A>C on the coding strand, the complement: P4HB is on the minus strand). VCF-style: chr17-81844073-T-G. GRCh37 (hg19) VCF-style: chr17-79801949-T-G.
Other names: short protein forms E489A.
Identifiers: ClinVar variation 3712069 (VCV003712069.2).